The following is an entry in ClinVar:

ClinVar aggregate classification (germline): Uncertain significance (1 of 4 stars; one submission).

Conditions:
COG8-congenital disorder of glycosylation. Also called: CDG IIh; COG8-CDG. Identifiers: Orphanet 95428, MedGen C1970021, MONDO:0012635, OMIM 611182.

Allele frequency attached by ClinVar (database versions not stated): gnomAD exomes below 0.00001; gnomAD 0.00001; TOPMed 0.00001.
gnomAD v4.1: 6 of 1,613,888 alleles (0.00037%); highest among the groups gnomAD compares: African/African-American, 0.0013%; no homozygotes.

Submission:

Labcorp Genetics (formerly Invitae), Labcorp
Classification: Uncertain significance for COG8-congenital disorder of glycosylation. Last evaluated: 2021-04-02. Review status: criteria provided, single submitter. Criteria: Invitae Variant Classification Sherloc (09022015). Collection method: clinical testing. Allele origin: germline.
Comment: Algorithms developed to predict the effect of missense changes on protein structure and function (SIFT, PolyPhen-2, Align-GVGD) all suggest that this variant is likely to be disruptive, but these predictions have not been confirmed by published functional studies and their clinical significance is uncertain. This variant has not been reported in the literature in individuals with COG8-related conditions. This variant is not present in population databases (ExAC no frequency). This sequence change replaces arginine with glutamine at codon 233 of the COG8 protein (p.Arg233Gln). The arginine residue is highly conserved and there is a small physicochemical difference between arginine and glutamine. Algorithms developed to predict the effect of sequence changes on RNA splicing suggest that this variant may create or strengthen a splice site, but this prediction has not been confirmed by published transcriptional studies. In summary, the available evidence is currently insufficient to determine the role of this variant in disease. Therefore, it has been classified as a Variant of Uncertain Significance.

NM_032382.5(COG8):c.698G>A (p.Arg233Gln)

Gene: COG8 (component of oligomeric golgi complex 8; minus strand). Cytogenetic location: 16q22.1.
Variant type: single nucleotide variant.
Coding change: c.698G>A on transcript NM_032382.5 (MANE Select); coding-DNA position 698, G replaced by A.
Protein change: p.Arg233Gln; replaces arginine 233 with glutamine.
Molecular consequence: missense variant.
Genome position (GRCh38, 1-based): chr16:69,335,236, C>T on the plus strand (G>A on the coding strand, the complement: COG8 is on the minus strand). VCF-style: chr16-69335236-C-T. GRCh37 (hg19) VCF-style: chr16-69369139-C-T.
Other names: c.698G>A, p.Arg233Gln (NM_001374871.1, NM_001379261.1, NM_001379262.1 and 4 more transcripts); short protein forms R233Q.
Identifiers: ClinVar variation 1499230 (VCV001499230.8), dbSNP rs1017255729, ClinGen allele CA283358543.